The following is an entry in ClinVar:

NM_022893.4(BCL11A):c.1467G>T (p.Glu489Asp)

Gene: BCL11A (BCL11 transcription factor A; minus strand). Cytogenetic location: 2p16.1.
Variant type: single nucleotide variant.
Coding change: c.1467G>T on transcript NM_022893.4 (MANE Select); coding-DNA position 1467, G replaced by T.
Protein change: p.Glu489Asp; replaces glutamic acid 489 with aspartic acid.
Molecular consequence: missense variant. On other transcripts: intron variant (1).
Genome position (GRCh38, 1-based): chr2:60,461,445, C>A on the plus strand (G>T on the coding strand, the complement: BCL11A is on the minus strand). VCF-style: chr2-60461445-C-A. GRCh37 (hg19) VCF-style: chr2-60688580-C-A.
Other names: c.1365G>T, p.Glu455Asp (NM_001363864.1, NM_001365609.1); c.1467G>T, p.Glu489Asp (NM_018014.4); c.630+837G>T (NM_138559.2); short protein forms E489D, E455D.
Identifiers: ClinVar variation 735121 (VCV000735121.6), dbSNP rs141406273, ClinGen allele CA1671101.
Genomic context (GRCh38, chr2:60,461,445, plus strand): 5'-CTCGCTCTCCGTCAGCTCCTCCTCCTCCTCTTCCTCCTCTTCTTCCTCTTCCTCGTCGTC[C>A]TCCTCTTCCTCCTCGTCCCCGTTCTCCGGGATCAGGTTGGGGTCGTTCTCGCTCTTGAAC-3'
Protein context (NP_075044.2, residues 479-499): IPENGDEEEE[Glu489Asp]DDEEEEEEEE

ClinVar aggregate classification (germline): Likely benign. Review status: criteria provided, single submitter (1 of 4 stars). 2 submissions from 2 submitters: Likely benign (1). 1 of the submissions does not count toward it. Last evaluated 2019-12-31.

Conditions:
BCL11A-related disorder. Also called: BCL11A-related condition.

Allele frequency attached by ClinVar (database versions not stated): ESP Exome Variant Server 0.00069; 1000 Genomes Project 0.00020; 1000 Genomes Project 30x 0.00031; TOPMed 0.00061.
gnomAD v4.1: 163 of 1,603,738 alleles (0.01%); highest among the groups gnomAD compares: African/African-American, 0.18%; 2 homozygotes.

Submissions (2):

Labcorp Genetics (formerly Invitae), Labcorp
Classification: Likely benign. Last evaluated: 2019-12-31. Review status: criteria provided, single submitter. Criteria: Invitae Variant Classification Sherloc (09022015). Collection method: clinical testing. Allele origin: germline.

PreventionGenetics, part of Exact Sciences
Classification: Likely benign for BCL11A-related condition. Last evaluated: 2023-02-24. Review status: no assertion criteria provided. Collection method: clinical testing. Allele origin: germline. Not counted in ClinVar's aggregate classification.
Comment: This variant is classified as likely benign based on ACMG/AMP sequence variant interpretation guidelines (Richards et al. 2015 PMID: 25741868, with internal and published modifications).